The following is an entry in ClinVar:

ClinVar aggregate classification (germline): Uncertain significance. Review status: criteria provided, multiple submitters, no conflicts (2 of 4 stars). 2 submissions from 2 submitters: Uncertain significance (2). Last evaluated 2024-05-09.

Conditions:
Inborn genetic diseases. Identifiers: MedGen C0950123, MeSH D030342.
Charcot-Marie-Tooth disease type 4. Also called: Charcot-Marie-Tooth disease, type IV; Charcot-Marie-Tooth, Type 4. Identifiers: Orphanet 64749, MedGen C4082197, MONDO:0018995.

Allele frequency attached by ClinVar (database versions not stated): gnomAD 0.00001; gnomAD exomes 0.00001; TOPMed 0.00001; ESP Exome Variant Server 0.00008.
gnomAD v4.1: 8 of 1,613,890 alleles (0.0005%); highest among the groups gnomAD compares: Non-Finnish European, 0.00068%; no homozygotes.

Submissions (2):

Ambry Genetics
Classification: Uncertain significance for Inborn genetic diseases. Last evaluated: 2024-05-09. Review status: criteria provided, single submitter. Criteria: Ambry Variant Classification Scheme 2023. Collection method: clinical testing. Allele origin: germline.

Labcorp Genetics (formerly Invitae), Labcorp
Classification: Uncertain significance for Charcot-Marie-Tooth disease type 4. Last evaluated: 2021-01-12. Review status: criteria provided, single submitter. Criteria: Invitae Variant Classification Sherloc (09022015). Collection method: clinical testing. Allele origin: germline.
Comment: In summary, the available evidence is currently insufficient to determine the role of this variant in disease. Therefore, it has been classified as a Variant of Uncertain Significance. Advanced modeling of protein sequence and biophysical properties (such as structural, functional, and spatial information, amino acid conservation, physicochemical variation, residue mobility, and thermodynamic stability) performed at Invitae indicates that this missense variant is not expected to disrupt SH3TC2 protein function. This variant has not been reported in the literature in individuals with SH3TC2-related conditions. This variant is not present in population databases (ExAC no frequency). This sequence change replaces serine with alanine at codon 490 of the SH3TC2 protein (p.Ser490Ala). The serine residue is highly conserved and there is a moderate physicochemical difference between serine and alanine.

NM_024577.4(SH3TC2):c.1468T>G (p.Ser490Ala)

Gene: SH3TC2 (SH3 domain and tetratricopeptide repeats 2; minus strand). Cytogenetic location: 5q32.
Variant type: single nucleotide variant.
Coding change: c.1468T>G on transcript NM_024577.4 (MANE Select); coding-DNA position 1468, T replaced by G.
Protein change: p.Ser490Ala; replaces serine 490 with alanine.
Molecular consequence: missense variant.
Genome position (GRCh38, 1-based): chr5:149,028,264, A>C on the plus strand (T>G on the coding strand, the complement: SH3TC2 is on the minus strand). VCF-style: chr5-149028264-A-C. GRCh37 (hg19) VCF-style: chr5-148407827-A-C.
Other names: c.1468T>G (NM_024577.3); short protein forms S490A.
Identifiers: ClinVar variation 1476998 (VCV001476998.9), dbSNP rs372841815, ClinGen allele CA128985487.
Genomic context (GRCh38, chr5:149,028,264, plus strand): 5'-AGGCCACAAACTCATCCTCCTCAGAGAAGCTATAAAAGGAAGAAGTGAGGAAAGAGAAGG[A>C]GAAGTCATAGAGACTCTTAAAGTGGTCAGCATAACCCTCATGATCCAGAAAAGCCAATAT-3'
Protein context (NP_078853.2, residues 480-500): ADHFKSLYDF[Ser490Ala]FSFLTSSFYS